The following is an entry in ClinVar:

NM_001625.4(AK2):c.219+1G>A

Gene: AK2 (adenylate kinase 2; minus strand). Cytogenetic location: 1p35.1.
Variant type: single nucleotide variant.
Coding change: c.219+1G>A on transcript NM_001625.4 (MANE Select); the canonical splice donor site of the intron after coding-DNA position 219, G replaced by A.
Molecular consequence: splice donor variant. On other transcripts: intron variant (1).
Genome position (GRCh38, 1-based): chr1:33,024,441, C>T on the plus strand (G>A on the coding strand, the complement: AK2 is on the minus strand). VCF-style: chr1-33024441-C-T. GRCh37 (hg19) VCF-style: chr1-33490042-C-T.
Other names: c.219+1G>A (NM_013411.5, NM_001319143.2, NM_001199199.3 and 1 more transcripts); c.94-2738G>A (NM_001319142.3); c.75+1G>A (NM_001319139.3, NM_001319140.2).
Identifiers: ClinVar variation 4735984 (VCV004735984.1).

ClinVar aggregate classification (germline): Likely pathogenic (1 of 4 stars; one submission).

Conditions:
Reticular dysgenesis. Also called: DeVaal disease; ALEUKOCYTOSIS; CONGENITAL ALEUKIA; HEMATOPOIETIC HYPOPLASIA, GENERALIZED; RETICULAR DYSGENESIA; SEVERE COMBINED IMMUNODEFICIENCY WITH LEUKOPENIA. Identifiers: Orphanet 33355, MedGen C0272167, MONDO:0009973, OMIM 267500.

gnomAD v4.1: 2 of 1,613,932 alleles (0.00012%); highest among the groups gnomAD compares: Non-Finnish European, 0.00017%; no homozygotes.

Submission:

Labcorp Genetics (formerly Invitae), Labcorp
Classification: Likely pathogenic for Reticular dysgenesis. Last evaluated: 2026-01-21. Review status: criteria provided, single submitter. Criteria: Invitae Variant Classification Sherloc (09022015). Collection method: clinical testing. Allele origin: germline.
Comment: This sequence change affects a donor splice site in intron 2 of the AK2 gene. It is expected to disrupt RNA splicing. Variants that disrupt the donor or acceptor splice site typically lead to a loss of protein function (PMID: 16199547), and loss-of-function variants in AK2 are known to be pathogenic (PMID: 19043416, 19043417, 19414857). This variant is present in population databases (rs757757793, gnomAD 0.0009%). This variant has not been reported in the literature in individuals affected with AK2-related conditions. Algorithms developed to predict the effect of sequence changes on RNA splicing suggest that this variant may disrupt the consensus splice site. In summary, the currently available evidence indicates that the variant is pathogenic, but additional data are needed to prove that conclusively. Therefore, this variant has been classified as Likely Pathogenic.

Literature cited by the submitters: PubMed 16199547; PubMed 19043416; PubMed 19043417; PubMed 19414857.